The following is an entry in ClinVar:

NM_016580.4(PCDH12):c.1123C>T (p.Leu375Phe)

Genes: PCDH12 (protocadherin 12; minus strand), RNF14 (ring finger protein 14; plus strand). Cytogenetic location: 5q31.3.
Variant type: single nucleotide variant.
Coding change: c.1123C>T on transcript NM_016580.4 (MANE Select); coding-DNA position 1123, C replaced by T.
Protein change: p.Leu375Phe; replaces leucine 375 with phenylalanine.
Molecular consequence: missense variant.
Genome position (GRCh38, 1-based): chr5:141,956,729, G>A on the plus strand (C>T on the coding strand, the complement: PCDH12 is on the minus strand). VCF-style: chr5-141956729-G-A. GRCh37 (hg19) VCF-style: chr5-141336294-G-A.
Other names: c.1123C>T (NM_016580.2); short protein forms L375F.
Identifiers: ClinVar variation 1389935 (VCV001389935.6), dbSNP rs750716917, ClinGen allele CA3484455.

ClinVar aggregate classification (germline): Uncertain significance. Review status: criteria provided, multiple submitters, no conflicts (2 of 4 stars). 2 submissions from 2 submitters: Uncertain significance (2). Last evaluated 2025-05-15.

Conditions:
Inborn genetic diseases. Identifiers: MedGen C0950123, MeSH D030342.

Allele frequency attached by ClinVar (database versions not stated): gnomAD exomes 0.00003 and 0.00005; gnomAD 0.00001; TOPMed 0.00001; ExAC 0.00004.
gnomAD v4.1: 17 of 1,614,124 alleles (0.0011%); highest among the groups gnomAD compares: Admixed American, 0.028%; no homozygotes.

Submissions (2):

Ambry Genetics
Classification: Uncertain significance for Inborn genetic diseases. Last evaluated: 2025-05-15. Review status: criteria provided, single submitter. Criteria: Ambry Variant Classification Scheme 2023. Collection method: clinical testing. Allele origin: germline.

Labcorp Genetics (formerly Invitae), Labcorp
Classification: Uncertain significance. Last evaluated: 2024-11-11. Review status: criteria provided, single submitter. Criteria: Invitae Variant Classification Sherloc (09022015). Collection method: clinical testing. Allele origin: germline.
Comment: This sequence change replaces leucine, which is neutral and non-polar, with phenylalanine, which is neutral and non-polar, at codon 375 of the PCDH12 protein (p.Leu375Phe). This variant is present in population databases (rs750716917, gnomAD 0.03%). This variant has not been reported in the literature in individuals affected with PCDH12-related conditions. ClinVar contains an entry for this variant (Variation ID: 1389935). Invitae Evidence Modeling of protein sequence and biophysical properties (such as structural, functional, and spatial information, amino acid conservation, physicochemical variation, residue mobility, and thermodynamic stability) indicates that this missense variant is not expected to disrupt PCDH12 protein function with a negative predictive value of 95%. In summary, the available evidence is currently insufficient to determine the role of this variant in disease. Therefore, it has been classified as a Variant of Uncertain Significance.